The following is an entry in ClinVar:

NM_001330.5(CTF1):c.503dup (p.Ala170fs)

Genes: CTF1 (cardiotrophin 1; plus strand), LOC130058878 (ATAC-STARR-seq lymphoblastoid silent region 7400; plus strand). Cytogenetic location: 16p11.2.
Variant type: Duplication.
Coding change: c.503dup on transcript NM_001330.5 (MANE Select); coding-DNA position 503, one base duplicated (T; older notation c.503dupT).
Protein change: p.Ala170fs; shifts the reading frame from alanine 170.
Molecular consequence: frameshift variant. On other transcripts: non-coding transcript variant (1).
Genome position (GRCh38, 1-based): chr16:30,902,436, T duplicated; the last of 2 consecutive T bases (chr16:30,902,435-30,902,436); duplicating either gives the same sequence. VCF-style (leftmost placement, unchanged base first): chr16-30902434-C-CT. GRCh37 (hg19) VCF-style: chr16-30913755-C-CT.
Other names: c.500dup, p.Ala169fs (NM_001142544.3); short protein forms A169fs, A170fs.
Identifiers: ClinVar variation 1329233 (VCV001329233.7), dbSNP rs1382940759, ClinGen allele CA622170547.

ClinVar aggregate classification (germline): Uncertain significance. Review status: criteria provided, multiple submitters, no conflicts (2 of 4 stars). 2 submissions from 2 submitters: Uncertain significance (2). Last evaluated 2021-04-23.

Conditions:
Cardiomyopathy (CMYO). Also called: Cardiomyopathies. Identifiers: Orphanet 167848, MedGen C0878544, MONDO:0004994, HP:0001638. Inheritance: Various modes of inheritance.

Submissions (2):

CHEO Genetics Diagnostic Laboratory, Children's Hospital of Eastern Ontario
Classification: Uncertain significance for Cardiomyopathy. Last evaluated: 2021-04-23. Review status: criteria provided, single submitter. Criteria: ACMG Guidelines, 2015. Collection method: clinical testing. Allele origin: germline.

Labcorp Genetics (formerly Invitae), Labcorp
Classification: Uncertain significance. Last evaluated: 2021-02-02. Review status: criteria provided, single submitter. Criteria: Invitae Variant Classification Sherloc (09022015). Collection method: clinical testing. Allele origin: germline.
Comment: In summary, the available evidence is currently insufficient to determine the role of this variant in disease. Therefore, it has been classified as a Variant of Uncertain Significance. Experimental studies and prediction algorithms are not available or were not evaluated, and the functional significance of this variant is currently unknown. The frequency data for this variant in the population databases is considered unreliable, as metrics indicate insufficient coverage at this position in the ExAC database. This sequence change results in a frameshift in the CTF1 gene (p.Ala170Argfs*68). While this is not anticipated to result in nonsense mediated decay, it is expected to disrupt the last 32 amino acid(s) of the CTF1 protein and extend the protein by 35 additional amino acid residues. This variant has not been reported in the literature in individuals with CTF1-related conditions.